The following is an entry in ClinVar:

ClinVar aggregate classification (germline): Uncertain significance (1 of 4 stars; one submission).

gnomAD v4.1: 1 of 1,614,140 alleles (0.000062%); no homozygotes.

Submission:

Ambry Genetics
Classification: Uncertain significance. Last evaluated: 2025-10-05. Review status: criteria provided, single submitter. Criteria: Ambry Variant Classification Scheme 2023. Collection method: clinical testing. Allele origin: germline.
Comment: The p.G182R variant (also known as c.544G>C), located in coding exon 5 of the PKP4 gene, results from a G to C substitution at nucleotide position 544. The glycine at codon 182 is replaced by arginine, an amino acid with dissimilar properties. This amino acid position is conserved. In addition, this alteration is predicted to be tolerated by in silico analysis. Based on the available evidence, the clinical significance of this variant remains unclear.

NM_003628.6(PKP4):c.544G>C (p.Gly182Arg)

Gene: PKP4 (plakophilin 4; plus strand). Cytogenetic location: 2q24.1.
Variant type: single nucleotide variant.
Coding change: c.544G>C on transcript NM_003628.6 (MANE Select); coding-DNA position 544, G replaced by C.
Protein change: p.Gly182Arg; replaces glycine 182 with arginine.
Molecular consequence: missense variant. On other transcripts: 5 prime UTR variant (1).
Genome position (GRCh38, 1-based): chr2:158,621,362, G>C. VCF-style: chr2-158621362-G-C. GRCh37 (hg19) VCF-style: chr2-159477874-G-C.
Other names: c.544G>C, p.Gly182Arg (NM_001005476.4, NM_001304969.3, NM_001304971.2 and 6 more transcripts); c.-406G>C (NM_001304970.3); c.538G>C, p.Gly180Arg (NM_001377222.1, NM_001377223.1, NM_001377224.1); short protein forms G180R, G182R.
Identifiers: ClinVar variation 4568594 (VCV004568594.1).
Genomic context (GRCh38, chr2:158,621,362, plus strand): 5'-AGTTTCCACAACAGCCAGAACGTGAGCAAGGCAGACAACAGACAGCAGCATTCATTCATA[G>C]GATCAACTAACAACCATGTGGTGAGGAATTCAAGAGCTGAAGGACAAACACTGGTTCAGG-3'
Protein context (NP_003619.2, residues 172-192): ADNRQQHSFI[Gly182Arg]STNNHVVRNS